The following is an entry in ClinVar:

NM_145290.4(ADGRA3):c.2801A>G (p.Tyr934Cys)

Gene: ADGRA3 (adhesion G protein-coupled receptor A3; minus strand). Cytogenetic location: 4p15.2.
Variant type: single nucleotide variant.
Coding change: c.2801A>G on transcript NM_145290.4 (MANE Select); coding-DNA position 2801, A replaced by G.
Protein change: p.Tyr934Cys; replaces tyrosine 934 with cysteine.
Molecular consequence: missense variant.
Genome position (GRCh38, 1-based): chr4:22,388,870, T>C on the plus strand (A>G on the coding strand, the complement: ADGRA3 is on the minus strand). VCF-style: chr4-22388870-T-C. GRCh37 (hg19) VCF-style: chr4-22390493-T-C.
Other names: short protein forms Y934C.
Identifiers: ClinVar variation 1035364 (VCV001035364.10), dbSNP rs137992274, ClinGen allele CA2873499.

ClinVar aggregate classification (germline): Uncertain significance. Review status: criteria provided, multiple submitters, no conflicts (2 of 4 stars). 2 submissions from 2 submitters: Uncertain significance (2). Last evaluated 2025-09-11.

Conditions:
Retinal dystrophy. Also called: Inherited retinal dystrophy. Identifiers: Orphanet 71862, MedGen C0854723, MeSH D058499, MONDO:0019118, HP:0000556.

Allele frequency attached by ClinVar (database versions not stated): gnomAD 0.00001 and 0.00003; TOPMed 0.00002; gnomAD exomes 0.00009 and 0.00013; ExAC 0.00013; 1000 Genomes Project 30x 0.00031; 1000 Genomes Project 0.00040.
gnomAD v4.1: 188 of 1,614,080 alleles (0.012%); highest among the groups gnomAD compares: East Asian, 0.4%; 1 homozygote.

Submissions (2):

Labcorp Genetics (formerly Invitae), Labcorp
Classification: Uncertain significance. Last evaluated: 2025-09-11. Review status: criteria provided, single submitter. Criteria: Invitae Variant Classification Sherloc (09022015). Collection method: clinical testing. Allele origin: germline.
Comment: This sequence change replaces tyrosine, which is neutral and polar, with cysteine, which is neutral and slightly polar, at codon 934 of the ADGRA3 protein (p.Tyr934Cys). This variant is present in population databases (rs137992274, gnomAD 0.1%), and has an allele count higher than expected for a pathogenic variant. This variant has not been reported in the literature in individuals affected with ADGRA3-related conditions. ClinVar contains an entry for this variant (Variation ID: 1035364). An algorithm developed to predict the effect of missense changes on protein structure and function (PolyPhen-2) suggests that this variant is likely to be disruptive. In summary, the available evidence is currently insufficient to determine the role of this variant in disease. Therefore, it has been classified as a Variant of Uncertain Significance.

Dept Of Ophthalmology, Nagoya University
Classification: Uncertain significance for Retinal dystrophy. Last evaluated: 2023-10-01. Review status: criteria provided, single submitter. Criteria: Submitter's publication. Collection method: research. Allele origin: germline. Affected: yes.